The following is an entry in ClinVar:

ClinVar aggregate classification (germline): Uncertain significance. Review status: criteria provided, multiple submitters, no conflicts (2 of 4 stars). 2 submissions from 2 submitters: Uncertain significance (2). Last evaluated 2025-11-12.

Conditions:
Inborn genetic diseases. Identifiers: MedGen C0950123, MeSH D030342.

Allele frequency attached by ClinVar (database versions not stated): TOPMed 0.00004; gnomAD 0.00009; ESP Exome Variant Server 0.00031.
gnomAD v4.1: 132 of 1,613,960 alleles (0.0082%); highest among the groups gnomAD compares: Non-Finnish European, 0.011%; no homozygotes.

Submissions (2):

Labcorp Genetics (formerly Invitae), Labcorp
Classification: Uncertain significance. Last evaluated: 2025-11-12. Review status: criteria provided, single submitter. Criteria: Invitae Variant Classification Sherloc (09022015). Collection method: clinical testing. Allele origin: germline.
Comment: This sequence change replaces lysine, which is basic and polar, with arginine, which is basic and polar, at codon 92 of the PPIB protein (p.Lys92Arg). This variant is present in population databases (rs112988616, gnomAD 0.01%). This variant has not been reported in the literature in individuals affected with PPIB-related conditions. ClinVar contains an entry for this variant (Variation ID: 2184891). An algorithm developed to predict the effect of missense changes on protein structure and function outputs the following: PolyPhen-2: "Benign". The arginine amino acid residue is found in multiple mammalian species, which suggests that this missense change does not adversely affect protein function. In summary, the available evidence is currently insufficient to determine the role of this variant in disease. Therefore, it has been classified as a Variant of Uncertain Significance.

Ambry Genetics
Classification: Uncertain significance for Inborn genetic diseases. Last evaluated: 2025-05-01. Review status: criteria provided, single submitter. Criteria: Ambry Variant Classification Scheme 2023. Collection method: clinical testing. Allele origin: germline.

NM_000942.5(PPIB):c.275A>G (p.Lys92Arg)

Gene: PPIB (peptidylprolyl isomerase B; minus strand). Cytogenetic location: 15q22.31.
Variant type: single nucleotide variant.
Coding change: c.275A>G on transcript NM_000942.5 (MANE Select); coding-DNA position 275, A replaced by G.
Protein change: p.Lys92Arg; replaces lysine 92 with arginine.
Molecular consequence: missense variant.
Genome position (GRCh38, 1-based): chr15:64,160,172, T>C on the plus strand (A>G on the coding strand, the complement: PPIB is on the minus strand). VCF-style: chr15-64160172-T-C. GRCh37 (hg19) VCF-style: chr15-64452371-T-C.
Other names: short protein forms K92R.
Identifiers: ClinVar variation 2184891 (VCV002184891.4), dbSNP rs112988616, ClinGen allele CA7608540.